The following is an entry in ClinVar:

ClinVar aggregate classification (germline): Uncertain significance. Review status: criteria provided, multiple submitters, no conflicts (2 of 4 stars). 4 submissions from 4 submitters: Uncertain significance (4). Last evaluated 2025-07-15.

Conditions:
Hereditary cancer-predisposing syndrome. Also called: Neoplastic Syndromes, Hereditary; Tumor predisposition; Hereditary neoplastic syndrome; Hereditary Cancer Syndrome. Identifiers: Orphanet 140162, MedGen C0027672, MeSH D009386, MONDO:0015356.
Cardiovascular phenotype. Identifiers: MedGen CN230736.
LZTR1-related disorder. Also called: LZTR1-related disorders; LZTR1-related condition.

Allele frequency attached by ClinVar (database versions not stated): gnomAD exomes below 0.00001 and 0.00001; gnomAD 0.00001.
gnomAD v4.1: 18 of 1,600,692 alleles (0.0011%); highest among the groups gnomAD compares: Admixed American, 0.0017%; no homozygotes.

Submissions (4):

Labcorp Genetics (formerly Invitae), Labcorp
Classification: Uncertain significance. Last evaluated: 2025-07-15. Review status: criteria provided, single submitter. Criteria: Invitae Variant Classification Sherloc (09022015). Collection method: clinical testing. Allele origin: germline.
Comment: This sequence change replaces proline, which is neutral and non-polar, with leucine, which is neutral and non-polar, at codon 507 of the LZTR1 protein (p.Pro507Leu). The frequency data for this variant in the population databases is considered unreliable, as metrics indicate poor data quality at this position in the gnomAD database. This variant has not been reported in the literature in individuals affected with LZTR1-related conditions. ClinVar contains an entry for this variant (Variation ID: 1351007). Invitae Evidence Modeling of protein sequence and biophysical properties (such as structural, functional, and spatial information, amino acid conservation, physicochemical variation, residue mobility, and thermodynamic stability) indicates that this missense variant is not expected to disrupt LZTR1 protein function with a negative predictive value of 80%. In summary, the available evidence is currently insufficient to determine the role of this variant in disease. Therefore, it has been classified as a Variant of Uncertain Significance.

GeneDx
Classification: Uncertain significance. Last evaluated: 2023-12-11. Review status: criteria provided, single submitter. Criteria: GeneDx Variant Classification Process June 2021. Collection method: clinical testing. Allele origin: germline. Affected: yes.
Comment: Not observed at significant frequency in large population cohorts (gnomAD); In silico analysis supports that this missense variant does not alter protein structure/function; Has not been previously published as pathogenic or benign to our knowledge

PreventionGenetics, part of Exact Sciences
Classification: Uncertain significance for LZTR1-related condition. Last evaluated: 2023-07-14. Review status: criteria provided, single submitter. Criteria: ACMG Guidelines, 2015. Collection method: clinical testing. Allele origin: germline.
Comment: The LZTR1 c.1520C>T variant is predicted to result in the amino acid substitution p.Pro507Leu. To our knowledge, this variant has not been reported in the literature. This variant is reported in 0.0010% of alleles in individuals of European (Non-Finnish) descent in gnomAD. At this time, the clinical significance of this variant is uncertain due to the absence of conclusive functional and genetic evidence.

Ambry Genetics
Classification: Uncertain significance for Cardiovascular phenotype; Hereditary cancer-predisposing syndrome. Last evaluated: 2022-03-07. Review status: criteria provided, single submitter. Criteria: Ambry Variant Classification Scheme 2023. Collection method: clinical testing. Allele origin: germline.
Comment: The p.P507L variant (also known as c.1520C>T), located in coding exon 14 of the LZTR1 gene, results from a C to T substitution at nucleotide position 1520. The proline at codon 507 is replaced by leucine, an amino acid with similar properties. This amino acid position is conserved. In addition, this alteration is predicted to be tolerated by in silico analysis. Since supporting evidence is limited at this time, the clinical significance of this alteration remains unclear.

NM_006767.4(LZTR1):c.1520C>T (p.Pro507Leu)

Gene: LZTR1 (leucine zipper like post translational regulator 1; plus strand). Cytogenetic location: 22q11.21.
Variant type: single nucleotide variant.
Coding change: c.1520C>T on transcript NM_006767.4 (MANE Select); coding-DNA position 1520, C replaced by T.
Protein change: p.Pro507Leu; replaces proline 507 with leucine.
Molecular consequence: missense variant.
Genome position (GRCh38, 1-based): chr22:20,994,174, C>T. VCF-style: chr22-20994174-C-T. GRCh37 (hg19) VCF-style: chr22-21348463-C-T.
Other names: short protein forms P507L.
Identifiers: ClinVar variation 1351007 (VCV001351007.10), dbSNP rs983395423, ClinGen allele CA322269097.
Genomic context (GRCh38, chr22:20,994,174, plus strand): 5'-AGGAGGCCGCCCCAGTTCCCAGGGAGGCCCCCGGCGTGGCTGCTGGTGGGGCCCGGCCGC[C>T]CCTGCTGCACGTGGCCATCCGGGAGGCCGAGGCCCGGCCCTTCGAGGTGCTCATGCAGTT-3'
Protein context (NP_006758.2, residues 497-517): PGVAAGGARP[Pro507Leu]LLHVAIREAE